The following is an entry in ClinVar:

NM_153240.5(NPHP3):c.146C>G (p.Ala49Gly)

Genes: NPHP3 (nephrocystin 3; minus strand), NPHP3-ACAD11 (NPHP3-ACAD11 readthrough (NMD candidate); minus strand), NPHP3-AS1 (NPHP3 antisense RNA 1; plus strand), LOC129937586 (ATAC-STARR-seq lymphoblastoid silent region 14743; plus strand). Cytogenetic location: 3q22.1.
Variant type: single nucleotide variant.
Coding change: c.146C>G on transcript NM_153240.5 (MANE Select); coding-DNA position 146, C replaced by G.
Protein change: p.Ala49Gly; replaces alanine 49 with glycine.
Molecular consequence: missense variant. On other transcripts: non-coding transcript variant (3).
Genome position (GRCh38, 1-based): chr3:132,722,210, G>C on the plus strand (C>G on the coding strand, the complement: NPHP3 is on the minus strand). VCF-style: chr3-132722210-G-C. GRCh37 (hg19) VCF-style: chr3-132441054-G-C.
Other names: short protein forms A49G.
Identifiers: ClinVar variation 1506769 (VCV001506769.6), dbSNP rs763420553, ClinGen allele CA354589659.

ClinVar aggregate classification (germline): Uncertain significance (1 of 4 stars; one submission).

Conditions:
Nephronophthisis. Also called: Juvenile Nephronophthisis. Identifiers: Orphanet 655, MedGen C0687120, MONDO:0019005, HP:0000090.

gnomAD v4.1: 6 of 1,520,970 alleles (0.00039%); highest among the groups gnomAD compares: Non-Finnish European, 0.00052%; no homozygotes.

Submission:

Labcorp Genetics (formerly Invitae), Labcorp
Classification: Uncertain significance for Nephronophthisis. Last evaluated: 2022-03-09. Review status: criteria provided, single submitter. Criteria: Invitae Variant Classification Sherloc (09022015). Collection method: clinical testing. Allele origin: germline.
Comment: This variant is not present in population databases (gnomAD no frequency). In summary, the available evidence is currently insufficient to determine the role of this variant in disease. Therefore, it has been classified as a Variant of Uncertain Significance. Algorithms developed to predict the effect of missense changes on protein structure and function output the following: SIFT: "Tolerated"; PolyPhen-2: "Benign"; Align-GVGD: "Class C0". The glycine amino acid residue is found in multiple mammalian species, which suggests that this missense change does not adversely affect protein function. This variant has not been reported in the literature in individuals affected with NPHP3-related conditions. This sequence change replaces alanine, which is neutral and non-polar, with glycine, which is neutral and non-polar, at codon 49 of the NPHP3 protein (p.Ala49Gly).